The following is an entry in ClinVar:

NM_001291415.2(KDM6A):c.2767C>T (p.Leu923Phe)

Gene: KDM6A (lysine demethylase 6A; plus strand). Cytogenetic location: Xp11.3.
Variant type: single nucleotide variant.
Coding change: c.2767C>T on transcript NM_001291415.2 (MANE Select); coding-DNA position 2767, C replaced by T.
Protein change: p.Leu923Phe; replaces leucine 923 with phenylalanine.
Molecular consequence: missense variant. On other transcripts: non-coding transcript variant (1).
Genome position (GRCh38, 1-based): chrX:45,070,266, C>T. VCF-style: chrX-45070266-C-T. GRCh37 (hg19) VCF-style: chrX-44929511-C-T.
Other names: c.2632C>T, p.Leu878Phe (NM_001419811.1, NM_001291416.2); c.2611C>T, p.Leu871Phe (NM_001419812.1, NM_021140.4); c.2665C>T, p.Leu889Phe (NM_001419813.1, NM_001419810.1); c.2509C>T, p.Leu837Phe (NM_001419814.1, NM_001410742.1); c.2374C>T, p.Leu792Phe (NM_001419815.1, NM_001291418.2); c.2611C>T (NM_021140.2); c.2476C>T, p.Leu826Phe (NM_001291417.2); c.1723C>T, p.Leu575Phe (NM_001291421.2); and 1 more; short protein forms L575F, L792F, L826F, L837F, L871F, L878F, L889F, L923F.
Identifiers: ClinVar variation 2635495 (VCV002635495.2), dbSNP rs1393641464, ClinGen allele CA412795850.

ClinVar aggregate classification (germline): Uncertain significance. Review status: criteria provided, multiple submitters, no conflicts (2 of 4 stars). 2 submissions from 2 submitters: Uncertain significance (2). Last evaluated 2026-02-03.

Conditions:
KDM6A-related disorder. Also called: KDM6A-related condition.

Allele frequency attached by ClinVar (database versions not stated): gnomAD exomes below 0.00001; gnomAD 0.00001.
gnomAD v4.1: 2 of 1,208,066 alleles (0.00017%); highest among the groups gnomAD compares: East Asian, 0.0059%; no homozygotes.

Submissions (2):

GeneDx
Classification: Uncertain significance. Last evaluated: 2026-02-03. Review status: criteria provided, single submitter. Criteria: GeneDx Variant Classification Process June 2021. Collection method: clinical testing. Allele origin: germline.
Comment: Not observed at significant frequency in large population cohorts (gnomAD); In silico analysis suggests that this missense variant does not alter protein structure/function; Has not been previously published as pathogenic or benign to our knowledge

PreventionGenetics, part of Exact Sciences
Classification: Uncertain significance for KDM6A-related condition. Last evaluated: 2022-12-05. Review status: criteria provided, single submitter. Criteria: ACMG Guidelines, 2015. Collection method: clinical testing. Allele origin: germline.
Comment: The KDM6A c.2611C>T variant is predicted to result in the amino acid substitution p.Leu871Phe. To our knowledge, this variant has not been reported in the literature or in a large population database, indicating this variant is rare. At this time, the clinical significance of this variant is uncertain due to the absence of conclusive functional and genetic evidence.